The following is an entry in ClinVar:

NM_019108.4(SMG9):c.708T>C (p.Tyr236=)

Gene: SMG9 (SMG9 nonsense mediated mRNA decay factor; minus strand). Cytogenetic location: 19q13.31.
Variant type: single nucleotide variant.
Coding change: c.708T>C on transcript NM_019108.4 (MANE Select); coding-DNA position 708, T replaced by C.
Protein change: p.Tyr236=; no amino-acid change (tyrosine 236 retained).
Molecular consequence: synonymous variant.
Genome position (GRCh38, 1-based): chr19:43,740,212, A>G on the plus strand (T>C on the coding strand, the complement: SMG9 is on the minus strand). VCF-style: chr19-43740212-A-G. GRCh37 (hg19) VCF-style: chr19-44244364-A-G.
Identifiers: ClinVar variation 4533589 (VCV004533589.6).
Genomic context (GRCh38, chr19:43,740,212, plus strand): 5'-GATGCCACTGGTCTGGTTGCCCCCTCGTTCCTTCATTTCAGCGCTCTGGGCCCGGAAAAC[A>G]TAAGTCCTGTGGAGAGGAGCAGGCAGGGGTGTGTGAGAGCTCTGGTTCTCAGCCTTGGAT-3'
Protein context (NP_061981.2, residues 226-246): ANTPEEDQRT[Tyr236=]VFRAQSAEMK

ClinVar aggregate classification (germline): Likely benign (1 of 4 stars; one submission).

Submission:

CeGaT Center for Human Genetics Tuebingen
Classification: Likely benign. Last evaluated: 2025-11-01. Review status: criteria provided, single submitter. Criteria: CeGaT Center For Human Genetics Tuebingen Variant Classification Criteria Version 2. Collection method: clinical testing. Allele origin: germline. Affected: yes. Observed: 1 variant allele.
Comment: SMG9: BP4, BP7